The following is an entry in ClinVar:

NM_000492.4(CFTR):c.2928C>A (p.Phe976Leu)

Genes: CFTR-AS2 (CFTR antisense RNA 2; minus strand), CFTR (CF transmembrane conductance regulator; plus strand). Cytogenetic location: 7q31.2.
Variant type: single nucleotide variant.
Coding change: c.2928C>A on transcript NM_000492.4 (MANE Select); coding-DNA position 2928, C replaced by A.
Protein change: p.Phe976Leu; replaces phenylalanine 976 with leucine.
Molecular consequence: missense variant.
Genome position (GRCh38, 1-based): chr7:117,606,693, C>A. VCF-style: chr7-117606693-C-A. GRCh37 (hg19) VCF-style: chr7-117246747-C-A.
Other names: short protein forms F976L.
Identifiers: ClinVar variation 1797761 (VCV001797761.2), dbSNP rs776948957, ClinGen allele CA4451331.

ClinVar aggregate classification (germline): Uncertain significance (1 of 4 stars; one submission).

Conditions:
Cystic fibrosis (CF). Also called: MUCOVISCIDOSIS. Identifiers: Orphanet 586, MedGen C0010674, MONDO:0009061, OMIM 219700. Disease mechanism: loss of function.

Submission:

Ambry Genetics
Classification: Uncertain significance for Cystic fibrosis. Last evaluated: 2021-06-30. Review status: criteria provided, single submitter. Criteria: Ambry Variant Classification Scheme 2023. Collection method: clinical testing. Allele origin: germline.
Comment: The p.F976L variant (also known as c.2928C>A), located in coding exon 18 of the CFTR gene, results from a C to A substitution at nucleotide position 2928. The phenylalanine at codon 976 is replaced by leucine, an amino acid with highly similar properties. This amino acid position is conserved. In addition, this alteration is predicted to be deleterious by in silico analysis. Since supporting evidence is limited at this time, the clinical significance of this alteration remains unclear.